The following is an entry in ClinVar:

ClinVar aggregate classification (germline): Benign (0 of 4 stars; one submission).

Conditions:
SRGAP3-related disorder. Also called: SRGAP3-related condition.

Allele frequency attached by ClinVar (database versions not stated): 1000 Genomes Project 0.01677; 1000 Genomes Project 30x 0.01686; ExAC 0.03189; TOPMed 0.03305; gnomAD 0.03379; ESP Exome Variant Server 0.03737; gnomAD exomes 0.04573.
gnomAD v4.1: 71,886 of 1,614,200 alleles (4.5%); highest among the groups gnomAD compares: Non-Finnish European, 5.1%; 1,831 homozygotes.

Submission:

PreventionGenetics, part of Exact Sciences
Classification: Benign for SRGAP3-related condition. Last evaluated: 2019-02-19. Review status: no assertion criteria provided. Collection method: clinical testing. Allele origin: germline.
Comment: This variant is classified as benign based on ACMG/AMP sequence variant interpretation guidelines (Richards et al. 2015 PMID: 25741868, with internal and published modifications).

NM_014850.4(SRGAP3):c.969T>C (p.Asn323=)

Gene: SRGAP3 (SLIT-ROBO Rho GTPase activating protein 3; minus strand). Cytogenetic location: 3p25.3.
Variant type: single nucleotide variant.
Coding change: c.969T>C on transcript NM_014850.4 (MANE Select); coding-DNA position 969, T replaced by C.
Protein change: p.Asn323=; no amino-acid change (asparagine 323 retained).
Molecular consequence: synonymous variant.
Genome position (GRCh38, 1-based): chr3:9,058,305, A>G on the plus strand (T>C on the coding strand, the complement: SRGAP3 is on the minus strand). VCF-style: chr3-9058305-A-G. GRCh37 (hg19) VCF-style: chr3-9099989-A-G.
Other names: c.969T>C, p.Asn323= (NM_001033117.3).
Identifiers: ClinVar variation 3055684 (VCV003055684.2), dbSNP rs61747289, ClinGen allele CA2237998.